The following is an entry in ClinVar:

NM_000478.6(ALPL):c.876A>G (p.Pro292=)

Gene: ALPL (alkaline phosphatase, biomineralization associated; plus strand). Cytogenetic location: 1p36.12.
Variant type: single nucleotide variant.
Coding change: c.876A>G on transcript NM_000478.6 (MANE Select); coding-DNA position 876, A replaced by G.
Protein change: p.Pro292=; no amino-acid change (proline 292 retained).
Molecular consequence: synonymous variant.
Genome position (GRCh38, 1-based): chr1:21,573,678, A>G. VCF-style: chr1-21573678-A-G. GRCh37 (hg19) VCF-style: chr1-21900171-A-G.
Other names: p.Pro292=; c.711A>G, p.Pro237= (NM_001127501.4); c.645A>G, p.Pro215= (NM_001177520.3); c.876A>G, p.Pro292= (NM_001369803.2, NM_001369804.2, NM_001369805.2).
Identifiers: ClinVar variation 256238 (VCV000256238.47), dbSNP rs3200255, ClinGen allele CA666670.

ClinVar aggregate classification (germline): Benign. Review status: criteria provided, multiple submitters, no conflicts (2 of 4 stars). 19 submissions from 17 submitters: Benign (15). 4 of the submissions do not count toward it. Last evaluated 2026-02-04.

Conditions:
Hypophosphatasia. Also called: Phosphoethanol-aminuria. Identifiers: Orphanet 436, MedGen C0020630, MeSH D007014, MONDO:0018570.
Childhood hypophosphatasia. Identifiers: Orphanet 247667, Orphanet 436, MedGen C0220743, MONDO:1010168, OMIM 241510, MONDO:0009428.
Adult hypophosphatasia. Identifiers: Orphanet 247676, Orphanet 436, MedGen C0268413, MONDO:1010154, OMIM 146300, MONDO:0007798.
Infantile hypophosphatasia. Identifiers: Orphanet 247651, Orphanet 436, MedGen C0268412, MONDO:1010169, OMIM 241500, MONDO:0009427.

Allele frequency attached by ClinVar (database versions not stated): gnomAD exomes 0.14437 and 0.18440; ESP Exome Variant Server 0.16231; ExAC 0.18027; gnomAD 0.18763; TOPMed 0.19695; 1000 Genomes Project 30x 0.27014; 1000 Genomes Project 0.27157.
gnomAD v4.1: 240,405 of 1,612,332 alleles (15%); highest among the groups gnomAD compares: East Asian, 50%; 22,830 homozygotes.

Submissions (19):

Labcorp Genetics (formerly Invitae), Labcorp
Classification: Benign. Last evaluated: 2026-02-04. Review status: criteria provided, single submitter. Criteria: Invitae Variant Classification Sherloc (09022015). Collection method: clinical testing. Allele origin: germline.

JKU Lab, Dept of Paediatrics, Johannes Kepler University
Classification: Benign for Hypophosphatasia. Last evaluated: 2025-10-23. Review status: criteria provided, single submitter. Criteria: ACMG Guidelines, 2015. Collection method: curation. Allele origin: germline. Affected: no.
Comment: This synonymous variant is present in GnomAD 4.1 (f = 14.5%). REVEL score not applicable. Splice-prediction algorithms predict no effect on splicing. This variant has been reported in the literature in individuals affected with ALPL-related conditions (PMID:34213743, 27507156, 34097127).

Genomenon, Inc
Classification: Benign for Hypophosphatasia. Last evaluated: 2025-08-29. Review status: criteria provided, single submitter. Criteria: Genomenon Sequence Variant Interpretation Standards. Collection method: curation. Allele origin: germline. Affected: no.
Comment: ALPL c.876A>G is a synonymous (silent) variant. This variant has not been reported in patients affected with hypophosphatasia in the published literature. This variant is present at high allele frequency in population databases. In conclusion, we classify ALPL p.Pro292Pro (c.876A>G) as a benign variant.

ARUP Laboratories, Molecular Genetics and Genomics, ARUP Laboratories
Classification: Benign. Last evaluated: 2025-07-22. Review status: criteria provided, single submitter. Criteria: ARUP Molecular Germline Variant Investigation Process 2024. Collection method: clinical testing. Allele origin: germline.

Blueprint Genetics
Classification: Benign. Last evaluated: 2024-11-26. Review status: criteria provided, single submitter. Criteria: ACMG Guidelines, 2015. Collection method: clinical testing. Allele origin: germline.

Mayo Clinic Laboratories, Mayo Clinic
Classification: Benign. Last evaluated: 2022-04-26. Review status: criteria provided, single submitter. Criteria: ACMG Guidelines, 2015. Collection method: clinical testing. Allele origin: germline. Observed: 73 variant alleles.

Genome-Nilou Lab
Classification: Benign for Infantile hypophosphatasia. Last evaluated: 2021-07-01. Review status: criteria provided, single submitter. Criteria: ACMG Guidelines, 2015. Collection method: clinical testing. Allele origin: germline. Affected: no.

Genome-Nilou Lab
Classification: Benign for Childhood hypophosphatasia. Last evaluated: 2021-07-01. Review status: criteria provided, single submitter. Criteria: ACMG Guidelines, 2015. Collection method: clinical testing. Allele origin: germline. Affected: no.

Genome-Nilou Lab
Classification: Benign for Adult hypophosphatasia. Last evaluated: 2021-07-01. Review status: criteria provided, single submitter. Criteria: ACMG Guidelines, 2015. Collection method: clinical testing. Allele origin: germline. Affected: no.

GeneDx
Classification: Benign. Last evaluated: 2018-08-20. Review status: criteria provided, single submitter. Criteria: GeneDx Variant Classification Process June 2021. Collection method: clinical testing. Allele origin: germline. Affected: yes.

Illumina Laboratory Services, Illumina
Classification: Benign for Hypophosphatasia. Last evaluated: 2018-01-13. Review status: criteria provided, single submitter. Criteria: ICSL Variant Classification Criteria 13 December 2019. Collection method: clinical testing. Allele origin: germline.
Comment: This variant was observed in the ICSL laboratory as part of a predisposition screen in an ostensibly healthy population. It had not been previously curated by ICSL or reported in the Human Gene Mutation Database (HGMD: prior to June 1st, 2018), and was therefore a candidate for classification through an automated scoring system. Utilizing variant allele frequency, disease prevalence and penetrance estimates, and inheritance mode, an automated score was calculated to assess if this variant is too frequent to cause the disease. Based on the score and internal cut-off values, a variant classified as benign is not then subjected to further curation. The score for this variant resulted in a classification of benign for this disease.

Athena Diagnostics
Classification: Benign. Last evaluated: 2017-04-20. Review status: criteria provided, single submitter. Criteria: Athena Diagnostics Criteria. Collection method: clinical testing. Allele origin: germline.

Eurofins Ntd Llc (ga)
Classification: Benign. Last evaluated: 2016-10-17. Review status: criteria provided, single submitter. Criteria: EGL Classification Definitions 2015. Collection method: clinical testing. Allele origin: germline. Observed: 3 variant alleles, 2 heterozygotes, 1 homozygote.

Breakthrough Genomics
Classification: Benign. Review status: criteria provided, single submitter. Criteria: ACMG Guidelines, 2015. Collection method: not provided. Allele origin: germline. Inheritance: Autosomal recessive inheritance. Affected: yes.

PreventionGenetics, part of Exact Sciences
Classification: Benign. Review status: criteria provided, single submitter. Criteria: ACMG Guidelines, 2015. Collection method: clinical testing. Allele origin: germline.

Natera, Inc.
Classification: Benign for Hypophosphatasia. Last evaluated: 2020-09-16. Review status: no assertion criteria provided. Collection method: clinical testing. Allele origin: germline. Not counted in ClinVar's aggregate classification.

Clinical Genetics DNA and cytogenetics Diagnostics Lab, Erasmus MC, Erasmus Medical Center
Classification: Benign. Review status: no assertion criteria provided. Collection method: clinical testing. Allele origin: germline. Affected: yes. Study: VKGL Data-share Consensus. Not counted in ClinVar's aggregate classification.

Diagnostic Laboratory, Department of Genetics, University Medical Center Groningen
Classification: Benign. Review status: no assertion criteria provided. Collection method: clinical testing. Allele origin: germline. Affected: yes. Study: VKGL Data-share Consensus. Not counted in ClinVar's aggregate classification.

Genome Diagnostics Laboratory, Amsterdam University Medical Center
Classification: Benign. Review status: no assertion criteria provided. Collection method: clinical testing. Allele origin: germline. Affected: yes. Study: VKGL Data-share Consensus. Not counted in ClinVar's aggregate classification.

Literature cited by the submitters: PubMed 34213743 (cited by JKU Lab, Dept of Paediatrics, Johannes Kepler University); PubMed 27507156 (cited by JKU Lab, Dept of Paediatrics, Johannes Kepler University); PubMed 34097127 (cited by JKU Lab, Dept of Paediatrics, Johannes Kepler University).